The following is an entry in ClinVar:

NM_013382.7(POMT2):c.780C>A (p.Asp260Glu)

Gene: POMT2 (protein O-mannosyltransferase 2; minus strand). Cytogenetic location: 14q24.3.
Variant type: single nucleotide variant.
Coding change: c.780C>A on transcript NM_013382.7 (MANE Select); coding-DNA position 780, C replaced by A.
Protein change: p.Asp260Glu; replaces aspartic acid 260 with glutamic acid.
Molecular consequence: missense variant.
Genome position (GRCh38, 1-based): chr14:77,301,126, G>T on the plus strand (C>A on the coding strand, the complement: POMT2 is on the minus strand). VCF-style: chr14-77301126-G-T. GRCh37 (hg19) VCF-style: chr14-77767469-G-T.
Other names: short protein forms D260E.
Identifiers: ClinVar variation 1993917 (VCV001993917.4), dbSNP rs2139480330, ClinGen allele CA390520152.

ClinVar aggregate classification (germline): Uncertain significance (1 of 4 stars; one submission).

Conditions:
Muscular dystrophy-dystroglycanopathy (congenital with impaired intellectual development), type B, 2. Also called: MUSCULAR DYSTROPHY, CONGENITAL, POMT2-RELATED; Muscular dystrophy-dystroglycanopathy (congenital with intellectual disability), type B2. Identifiers: MedGen C3150416, MONDO:0013160, OMIM 613156.
Muscular dystrophy-dystroglycanopathy (congenital with brain and eye anomalies), type A2. Also called: MUSCULAR DYSTROPHY-DYSTROGLYCANOPATHY (CONGENITAL WITH BRAIN AND EYE ANOMALIES), TYPE A, 2; WALKER-WARBURG SYNDROME OR MUSCLE-EYE-BRAIN DISEASE, POMT2-RELATED. Identifiers: Orphanet 588, Orphanet 899, MedGen C3150411, MONDO:0013154, OMIM 613150.
Autosomal recessive limb-girdle muscular dystrophy type 2N. Also called: MUSCULAR DYSTROPHY-DYSTROGLYCANOPATHY, LIMB-GIRDLE, POMT2-RELATED; Muscular dystrophy-dystroglycanopathy (limb-girdle), type C, 2. Identifiers: Orphanet 206559, MedGen C3150418, MONDO:0013162, OMIM 613158.

Submission:

Labcorp Genetics (formerly Invitae), Labcorp
Classification: Uncertain significance for Muscular dystrophy-dystroglycanopathy (congenital with impaired intellectual development), type B, 2; Muscular dystrophy-dystroglycanopathy (congenital with brain and eye anomalies), type A2; Autosomal recessive limb-girdle muscular dystrophy type 2N. Last evaluated: 2022-05-13. Review status: criteria provided, single submitter. Criteria: Invitae Variant Classification Sherloc (09022015). Collection method: clinical testing. Allele origin: germline.
Comment: This variant has not been reported in the literature in individuals affected with POMT2-related conditions. This variant is not present in population databases (gnomAD no frequency). This sequence change replaces aspartic acid, which is acidic and polar, with glutamic acid, which is acidic and polar, at codon 260 of the POMT2 protein (p.Asp260Glu). Algorithms developed to predict the effect of missense changes on protein structure and function (SIFT, PolyPhen-2, Align-GVGD) all suggest that this variant is likely to be tolerated. In summary, the available evidence is currently insufficient to determine the role of this variant in disease. Therefore, it has been classified as a Variant of Uncertain Significance.